The following is an entry in ClinVar:

NM_003119.4(SPG7):c.161A>G (p.Glu54Gly)

Genes: SPG7 (SPG7 matrix AAA peptidase subunit, paraplegin; plus strand), LOC130059818 (ATAC-STARR-seq lymphoblastoid silent region 7911; plus strand). Cytogenetic location: 16q24.3.
Variant type: single nucleotide variant.
Coding change: c.161A>G on transcript NM_003119.4 (MANE Select); coding-DNA position 161, A replaced by G.
Protein change: p.Glu54Gly; replaces glutamic acid 54 with glycine.
Molecular consequence: missense variant.
Genome position (GRCh38, 1-based): chr16:89,508,578, A>G. VCF-style: chr16-89508578-A-G. GRCh37 (hg19) VCF-style: chr16-89574986-A-G.
Other names: p.Glu54Gly; c.161A>G, p.Glu54Gly (NM_001363850.1, NM_199367.3); short protein forms E54G.
Identifiers: ClinVar variation 639021 (VCV000639021.36), dbSNP rs750617337, ClinGen allele CA8243399.

ClinVar aggregate classification (germline): Uncertain significance. Review status: criteria provided, multiple submitters, no conflicts (2 of 4 stars). 5 submissions from 5 submitters: Uncertain significance (5). Last evaluated 2025-07-12.

Conditions:
Hereditary spastic paraplegia 7 (SPG7). Also called: Spastic paraplegia 7; Hereditary spastic paraplegia Paraplegin type; Autosomal recessive spastic paraplegia type 7; SPASTIC PARAPLEGIA 7, AUTOSOMAL RECESSIVE, WITH OR WITHOUT CEREBELLAR ATAXIA; SPG7-related neurologic disorder. Identifiers: Orphanet 99013, MedGen C1846564, MONDO:0011803, OMIM 607259.

Allele frequency attached by ClinVar (database versions not stated): ExAC below 0.00001; gnomAD 0.00008 and 0.00009; TOPMed 0.00009.
gnomAD v4.1: 168 of 1,485,128 alleles (0.011%); highest among the groups gnomAD compares: Non-Finnish European, 0.014%; no homozygotes.

Submissions (5):

Mayo Clinic Laboratories, Mayo Clinic
Classification: Uncertain significance. Last evaluated: 2025-07-12. Review status: criteria provided, single submitter. Criteria: ACMG Guidelines, 2015. Collection method: clinical testing. Allele origin: germline. Observed: 2 variant alleles.
Comment: BP4

Labcorp Genetics (formerly Invitae), Labcorp
Classification: Uncertain significance for Hereditary spastic paraplegia 7. Last evaluated: 2025-03-05. Review status: criteria provided, single submitter. Criteria: Invitae Variant Classification Sherloc (09022015). Collection method: clinical testing. Allele origin: germline.
Comment: This sequence change replaces glutamic acid, which is acidic and polar, with glycine, which is neutral and non-polar, at codon 54 of the SPG7 protein (p.Glu54Gly). This variant is present in population databases (rs750617337, gnomAD 0.02%). This variant has not been reported in the literature in individuals affected with SPG7-related conditions. ClinVar contains an entry for this variant (Variation ID: 639021). Invitae Evidence Modeling of protein sequence and biophysical properties (such as structural, functional, and spatial information, amino acid conservation, physicochemical variation, residue mobility, and thermodynamic stability) indicates that this missense variant is not expected to disrupt SPG7 protein function with a negative predictive value of 95%. In summary, the available evidence is currently insufficient to determine the role of this variant in disease. Therefore, it has been classified as a Variant of Uncertain Significance.

Laboratorio de Genetica e Diagnostico Molecular, Hospital Israelita Albert Einstein
Classification: Uncertain significance for Hereditary spastic paraplegia 7. Last evaluated: 2023-12-06. Review status: criteria provided, single submitter. Criteria: ACMG Guidelines, 2015. Collection method: clinical testing. Allele origin: germline. Affected: yes.
Comment: ACMG classification criteria: PM2 supporting, BP4 supporting

CeGaT Center for Human Genetics Tuebingen
Classification: Uncertain significance. Last evaluated: 2023-09-01. Review status: criteria provided, single submitter. Criteria: CeGaT Center For Human Genetics Tuebingen Variant Classification Criteria Version 2. Collection method: clinical testing. Allele origin: germline. Affected: yes. Observed: 1 variant allele.
Comment: SPG7: PM2, BP4

Blueprint Genetics
Classification: Uncertain significance. Last evaluated: 2022-03-17. Review status: criteria provided, single submitter. Criteria: ACMG Guidelines, 2015. Collection method: clinical testing. Allele origin: germline.